The following is an entry in ClinVar:

NM_001130965.3(SUN1):c.5A>G (p.Asp2Gly)

Genes: SUN1 (Sad1 and UNC84 domain containing 1; plus strand), LOC126859921 (P300/CBP strongly-dependent group 1 enhancer GRCh37_chr7:871666-872865; plus strand). Cytogenetic location: 7p22.3.
Variant type: single nucleotide variant.
Coding change: c.5A>G on transcript NM_001130965.3 (MANE Select); coding-DNA position 5, A replaced by G.
Protein change: p.Asp2Gly; replaces aspartic acid 2 with glycine.
Molecular consequence: missense variant. On other transcripts: intron variant (30), 5 prime UTR variant (1), non-coding transcript variant (3).
Genome position (GRCh38, 1-based): chr7:832,529, A>G. VCF-style: chr7-832529-A-G. GRCh37 (hg19) VCF-style: chr7-872166-A-G.
Other names: c.-73-6269A>G (NM_001367689.1, NM_001367667.1, NM_001367679.1 and 24 more transcripts); c.-684-6269A>G (NM_001367658.1); c.-301-9417A>G (NM_001367639.1); c.5A>G, p.Asp2Gly (NM_001171944.2, NM_001171946.2, NM_001367633.1 and 35 more transcripts); c.68A>G, p.Asp23Gly (NM_001171945.2); c.-453A>G (NM_001367635.1); c.297-6269A>G (NM_001367651.1); short protein forms D23G, D2G.
Identifiers: ClinVar variation 3698491 (VCV003698491.2).
Genomic context (GRCh38, chr7:832,529, plus strand): 5'-TTAAAACACTCTGCATTTCTTTCCCGCCCTCTGCAGTATGGTTTGAAGTGGTGAACATGG[A>G]TTTTTCTCGGCTTCACATGTACAGTCCTCCCCAGTGTGTGCCGGAGAACACGGGCTACAC-3'
Protein context (NP_001124437.1, residues 1-12): M[Asp2Gly]FSRLHMYSPP

ClinVar aggregate classification (germline): Uncertain significance (1 of 4 stars; one submission).

Conditions:
Emery-Dreifuss muscular dystrophy (EDMD). Also called: Scapuloperoneal syndrome, X-linked (formerly); Humeroperoneal neuromuscular disease, (formerly). Identifiers: Orphanet 261, MedGen C0410189, MONDO:0016830.

Submission:

Labcorp Genetics (formerly Invitae), Labcorp
Classification: Uncertain significance for Emery-Dreifuss muscular dystrophy. Last evaluated: 2024-04-05. Review status: criteria provided, single submitter. Criteria: Invitae Variant Classification Sherloc (09022015). Collection method: clinical testing. Allele origin: germline.
Comment: This sequence change replaces aspartic acid, which is acidic and polar, with glycine, which is neutral and non-polar, at codon 2 of the SUN1 protein (p.Asp2Gly). This variant is not present in population databases (gnomAD no frequency). This variant has not been reported in the literature in individuals affected with SUN1-related conditions. An algorithm developed to predict the effect of missense changes on protein structure and function (PolyPhen-2) suggests that this variant is likely to be disruptive. In summary, the available evidence is currently insufficient to determine the role of this variant in disease. Therefore, it has been classified as a Variant of Uncertain Significance.